The following is an entry in ClinVar:

ClinVar aggregate classification (germline): Benign/Likely benign. Review status: criteria provided, multiple submitters, no conflicts (2 of 4 stars). 4 submissions from 4 submitters: Benign (3); Likely benign (1). Last evaluated 2026-02-02.

Conditions:
Congenital stationary night blindness 1C. Also called: Night blindness, congenital stationary (complete), 1C, autosomal recessive. Identifiers: Orphanet 215, MedGen C2750747, MONDO:0013183, OMIM 613216.

Allele frequency attached by ClinVar (database versions not stated): gnomAD exomes 0.00065 and 0.00169; ExAC 0.00193; ESP Exome Variant Server 0.00619; gnomAD 0.00640 and 0.00682; TOPMed 0.00716; 1000 Genomes Project 0.00859; 1000 Genomes Project 30x 0.00874.
gnomAD v4.1: 1,989 of 1,614,158 alleles (0.12%); highest among the groups gnomAD compares: African/African-American, 2.2%; 22 homozygotes.

Submissions (4):

Labcorp Genetics (formerly Invitae), Labcorp
Classification: Benign. Last evaluated: 2026-02-02. Review status: criteria provided, single submitter. Criteria: Invitae Variant Classification Sherloc (09022015). Collection method: clinical testing. Allele origin: germline.

Blueprint Genetics
Classification: Likely benign. Last evaluated: 2024-10-16. Review status: criteria provided, single submitter. Criteria: ACMG Guidelines, 2015. Collection method: clinical testing. Allele origin: germline.

Illumina Laboratory Services, Illumina
Classification: Benign for Congenital stationary night blindness 1C. Last evaluated: 2018-01-12. Review status: criteria provided, single submitter. Criteria: ICSL Variant Classification Criteria 13 December 2019. Collection method: clinical testing. Allele origin: germline.
Comment: This variant was observed in the ICSL laboratory as part of a predisposition screen in an ostensibly healthy population. It had not been previously curated by ICSL or reported in the Human Gene Mutation Database (HGMD: prior to June 1st, 2018), and was therefore a candidate for classification through an automated scoring system. Utilizing variant allele frequency, disease prevalence and penetrance estimates, and inheritance mode, an automated score was calculated to assess if this variant is too frequent to cause the disease. Based on the score and internal cut-off values, a variant classified as benign is not then subjected to further curation. The score for this variant resulted in a classification of benign for this disease.

Breakthrough Genomics
Classification: Benign. Review status: criteria provided, single submitter. Criteria: ACMG Guidelines, 2015. Collection method: not provided. Allele origin: germline. Inheritance: Unknown mechanism. Affected: yes.

NM_001252024.2(TRPM1):c.3980G>A (p.Arg1327His)

Gene: TRPM1 (transient receptor potential cation channel subfamily M member 1; minus strand). Cytogenetic location: 15q13.3.
Variant type: single nucleotide variant.
Coding change: c.3980G>A on transcript NM_001252024.2 (MANE Select); coding-DNA position 3980, G replaced by A.
Protein change: p.Arg1327His; replaces arginine 1327 with histidine.
Molecular consequence: missense variant.
Genome position (GRCh38, 1-based): chr15:31,002,720, C>T on the plus strand (G>A on the coding strand, the complement: TRPM1 is on the minus strand). VCF-style: chr15-31002720-C-T. GRCh37 (hg19) VCF-style: chr15-31294923-C-T.
Other names: c.4031G>A, p.Arg1344His (NM_001252020.2); c.3914G>A, p.Arg1305His (NM_002420.6); short protein forms R1305H, R1327H, R1344H.
Identifiers: ClinVar variation 710290 (VCV000710290.15), dbSNP rs13380059, ClinGen allele CA7451719.